The following is an entry in ClinVar:

ClinVar aggregate classification (germline): Uncertain significance (1 of 4 stars; one submission).

Conditions:
Hereditary cancer-predisposing syndrome. Also called: Neoplastic Syndromes, Hereditary; Tumor predisposition; Hereditary Cancer Syndrome; Hereditary neoplastic syndrome. Identifiers: Orphanet 140162, MedGen C0027672, MeSH D009386, MONDO:0015356.

gnomAD v4.1: 1 of 1,613,218 alleles (0.000062%); highest among the groups gnomAD compares: African/African-American, 0.0013%; no homozygotes.

Submission:

Ambry Genetics
Classification: Uncertain significance for Hereditary cancer-predisposing syndrome. Last evaluated: 2025-04-02. Review status: criteria provided, single submitter. Criteria: Ambry Variant Classification Scheme 2023. Collection method: clinical testing. Allele origin: germline.
Comment: The p.P582Q variant (also known as c.1745C>A), located in coding exon 18 of the RB1 gene, results from a C to A substitution at nucleotide position 1745. The proline at codon 582 is replaced by glutamine, an amino acid with similar properties. This amino acid position is not well conserved in available vertebrate species. In addition, this alteration is predicted to be tolerated by in silico analysis. Since supporting evidence is limited at this time, the clinical significance of this alteration remains unclear.

NM_000321.3(RB1):c.1745C>A (p.Pro582Gln)

Gene: RB1 (RB transcriptional corepressor 1; plus strand). Cytogenetic location: 13q14.2.
Variant type: single nucleotide variant.
Coding change: c.1745C>A on transcript NM_000321.3 (MANE Select); coding-DNA position 1745, C replaced by A.
Protein change: p.Pro582Gln; replaces proline 582 with glutamine.
Molecular consequence: missense variant.
Genome position (GRCh38, 1-based): chr13:48,453,042, C>A. VCF-style: chr13-48453042-C-A. GRCh37 (hg19) VCF-style: chr13-49027178-C-A.
Other names: c.1745C>A, p.Pro582Gln (NM_001407165.1); short protein forms P582Q.
Identifiers: ClinVar variation 1779278 (VCV001779278.3), dbSNP rs757198343, ClinGen allele CA388165525.
Genomic context (GRCh38, chr13:48,453,042, plus strand): 5'-GTTTCATATAGGATTCACCTTTATTTGATCTTATTAAACAATCAAAGGACCGAGAAGGAC[C>A]AACTGATCACCTTGAATCTGCTTGTCCTCTTAATCTTCCTCTCCAGAATAATCACACTGC-3'
Protein context (NP_000312.2, residues 572-592): LIKQSKDREG[Pro582Gln]TDHLESACPL